The following is an entry in ClinVar:

ClinVar aggregate classification (germline): Likely pathogenic (1 of 4 stars; one submission).

Submission:

Labcorp Genetics (formerly Invitae), Labcorp
Classification: Likely pathogenic. Last evaluated: 2022-03-17. Review status: criteria provided, single submitter. Criteria: Invitae Variant Classification Sherloc (09022015). Collection method: clinical testing. Allele origin: germline.
Comment: In summary, the currently available evidence indicates that the variant is pathogenic, but additional data are needed to prove that conclusively. Therefore, this variant has been classified as Likely Pathogenic. A similar copy number variant has been observed in individual(s) with PCNT-related conditions (Invitae). In at least one individual the data is consistent with being in trans (on the opposite chromosome) from a pathogenic variant. This variant is a gross deletion of the genomic region encompassing exon(s) 37-47 of the PCNT gene, which includes the termination codon. This deletion extends beyond the assayed region for this gene and therefore may encompass additional genes. While this deletion is not anticipated to lead to nonsense mediated decay, it is expected to alter mRNA translation or result in a truncated protein product.

NC_000021.8:g.(?_47850401)_(47865240_?)del

Gene: PCNT (pericentrin; plus strand). Cytogenetic location: 21q22.3.
Variant type: Deletion.
Identifiers: ClinVar variation 2425468 (VCV002425468.4).